The following is an entry in ClinVar:

ClinVar aggregate classification (germline): Conflicting classifications of pathogenicity. Review status: criteria provided, conflicting classifications (1 of 4 stars). 2 submissions from 2 submitters: Uncertain significance (1); Likely benign (1). Last evaluated 2024-04-12.

Conditions:
Developmental and epileptic encephalopathy 94 (DEE94). Also called: Epileptic encephalopathy, childhood-onset; CHD2-Related Neurodevelopmental Disorders. Identifiers: Orphanet 1942, Orphanet 2382, MedGen C3809278, MONDO:0014150, OMIM 615369.

Allele frequency attached by ClinVar (database versions not stated): gnomAD exomes below 0.00001; gnomAD 0.00001; TOPMed 0.00001.
gnomAD v4.1: 7 of 1,614,004 alleles (0.00043%); highest among the groups gnomAD compares: Middle Eastern, 0.033%; no homozygotes.

Submissions (2):

Labcorp Genetics (formerly Invitae), Labcorp
Classification: Uncertain significance for Developmental and epileptic encephalopathy 94. Last evaluated: 2024-04-12. Review status: criteria provided, single submitter. Criteria: Invitae Variant Classification Sherloc (09022015). Collection method: clinical testing. Allele origin: germline.
Comment: This sequence change replaces proline, which is neutral and non-polar, with alanine, which is neutral and non-polar, at codon 1733 of the CHD2 protein (p.Pro1733Ala). This variant is present in population databases (no rsID available, gnomAD 0.003%). This variant has not been reported in the literature in individuals affected with CHD2-related conditions. ClinVar contains an entry for this variant (Variation ID: 1486266). Advanced modeling of protein sequence and biophysical properties (such as structural, functional, and spatial information, amino acid conservation, physicochemical variation, residue mobility, and thermodynamic stability) performed at Invitae indicates that this missense variant is not expected to disrupt CHD2 protein function with a negative predictive value of 95%. In summary, the available evidence is currently insufficient to determine the role of this variant in disease. Therefore, it has been classified as a Variant of Uncertain Significance.

CeGaT Center for Human Genetics Tuebingen
Classification: Likely benign. Last evaluated: 2022-02-01. Review status: criteria provided, single submitter. Criteria: CeGaT Center For Human Genetics Tuebingen Variant Classification Criteria Version 2. Collection method: clinical testing. Allele origin: germline. Affected: yes. Observed: 1 variant allele.

NM_001271.4(CHD2):c.5197C>G (p.Pro1733Ala)

Gene: CHD2 (chromodomain helicase DNA binding protein 2; plus strand). Cytogenetic location: 15q26.1.
Variant type: single nucleotide variant.
Coding change: c.5197C>G on transcript NM_001271.4 (MANE Select); coding-DNA position 5197, C replaced by G.
Protein change: p.Pro1733Ala; replaces proline 1733 with alanine.
Molecular consequence: missense variant.
Genome position (GRCh38, 1-based): chr15:93,024,415, C>G. VCF-style: chr15-93024415-C-G. GRCh37 (hg19) VCF-style: chr15-93567645-C-G.
Other names: short protein forms P1733A.
Identifiers: ClinVar variation 1486266 (VCV001486266.40), dbSNP rs1461476360, ClinGen allele CA393908270.